The following is an entry in ClinVar:

ClinVar aggregate classification (germline): Uncertain significance (1 of 4 stars; one submission).

gnomAD v4.1: 2 of 1,613,972 alleles (0.00012%); highest among the groups gnomAD compares: Non-Finnish European, 0.00017%; no homozygotes.

Submission:

GeneDx
Classification: Uncertain significance. Last evaluated: 2025-04-08. Review status: criteria provided, single submitter. Criteria: GeneDx Variant Classification Process June 2021. Collection method: clinical testing. Allele origin: germline. Affected: yes.
Comment: In silico analysis supports that this missense variant has a deleterious effect on protein structure/function; Has not been previously published as pathogenic or benign to our knowledge

NM_000213.5(ITGB4):c.127C>G (p.Arg43Gly)

Gene: ITGB4 (integrin subunit beta 4; plus strand). Cytogenetic location: 17q25.1.
Variant type: single nucleotide variant.
Coding change: c.127C>G on transcript NM_000213.5 (MANE Select); coding-DNA position 127, C replaced by G.
Protein change: p.Arg43Gly; replaces arginine 43 with glycine.
Molecular consequence: missense variant.
Genome position (GRCh38, 1-based): chr17:75,727,242, C>G. VCF-style: chr17-75727242-C-G. GRCh37 (hg19) VCF-style: chr17-73723322-C-G.
Other names: c.127C>G, p.Arg43Gly (NM_001321123.2, NM_001438834.1, NM_001005619.2 and 1 more transcripts); short protein forms R43G.
Identifiers: ClinVar variation 4281719 (VCV004281719.1).